The following is an entry in ClinVar:

NM_182961.4(SYNE1):c.17605A>G (p.Thr5869Ala)

Gene: SYNE1 (spectrin repeat containing nuclear envelope protein 1; minus strand). Cytogenetic location: 6q25.2.
Variant type: single nucleotide variant.
Coding change: c.17605A>G on transcript NM_182961.4 (MANE Select); coding-DNA position 17605, A replaced by G.
Protein change: p.Thr5869Ala; replaces threonine 5869 with alanine.
Molecular consequence: missense variant.
Genome position (GRCh38, 1-based): chr6:152,300,718, T>C on the plus strand (A>G on the coding strand, the complement: SYNE1 is on the minus strand). VCF-style: chr6-152300718-T-C. GRCh37 (hg19) VCF-style: chr6-152621853-T-C.
Other names: c.17392A>G, p.Thr5798Ala (NM_033071.5); short protein forms T5798A, T5869A.
Identifiers: ClinVar variation 1484328 (VCV001484328.6), dbSNP rs2153809663, ClinGen allele CA366103429.
Genomic context (GRCh38, chr6:152,300,718, plus strand): 5'-CTGTATTAGCCACAGGTGAAGGGGAGCGACAGGCAGGTGGAGAGGAAATCTCACTGTTGG[T>C]TCCCTCCTCCCCAGACTCCTCAGTGACCGGTGACAGCAAAGTGTGACAGCGACCTGCAGT-3'
Protein context (NP_892006.3, residues 5859-5879): PVTEESGEEG[Thr5869Ala]NSEISSPPAC

ClinVar aggregate classification (germline): Uncertain significance (1 of 4 stars; one submission).

Conditions:
Autosomal recessive ataxia, Beauce type. Also called: SYNE1-Related Autosomal Recessive Cerebellar Ataxia; Spinocerebellar ataxia, autosomal recessive 8; ATAXIA, RECESSIVE, OF BEAUCE; SYNE1 Deficiency. Identifiers: Orphanet 88644, MedGen C1853116, MONDO:0012549, OMIM 610743.
Emery-Dreifuss muscular dystrophy 4, autosomal dominant (EDMD4). Also called: EMERY-DREIFUSS MUSCULAR DYSTROPHY 4 WITH VARIABLE FEATURES. Identifiers: Orphanet 261, MedGen C2751807, MONDO:0013071, OMIM 612998.

Submission:

Labcorp Genetics (formerly Invitae), Labcorp
Classification: Uncertain significance for Emery-Dreifuss muscular dystrophy 4, autosomal dominant; Autosomal recessive ataxia, Beauce type. Last evaluated: 2022-11-22. Review status: criteria provided, single submitter. Criteria: Invitae Variant Classification Sherloc (09022015). Collection method: clinical testing. Allele origin: germline.
Comment: In summary, the available evidence is currently insufficient to determine the role of this variant in disease. Therefore, it has been classified as a Variant of Uncertain Significance. Algorithms developed to predict the effect of missense changes on protein structure and function are either unavailable or do not agree on the potential impact of this missense change (SIFT: "Deleterious"; PolyPhen-2: "Benign"; Align-GVGD: "Class C55"). ClinVar contains an entry for this variant (Variation ID: 1484328). This variant has not been reported in the literature in individuals affected with SYNE1-related conditions. This variant is not present in population databases (gnomAD no frequency). This sequence change replaces threonine, which is neutral and polar, with alanine, which is neutral and non-polar, at codon 5798 of the SYNE1 protein (p.Thr5798Ala).